The following is an entry in ClinVar:

NM_001378778.1(MPDZ):c.857C>T (p.Pro286Leu)

Gene: MPDZ (multiple PDZ domain crumbs cell polarity complex component; minus strand). Cytogenetic location: 9p23.
Variant type: single nucleotide variant.
Coding change: c.857C>T on transcript NM_001378778.1 (MANE Select); coding-DNA position 857, C replaced by T.
Protein change: p.Pro286Leu; replaces proline 286 with leucine.
Molecular consequence: missense variant.
Genome position (GRCh38, 1-based): chr9:13,221,391, G>A on the plus strand (C>T on the coding strand, the complement: MPDZ is on the minus strand). VCF-style: chr9-13221391-G-A. GRCh37 (hg19) VCF-style: chr9-13221390-G-A.
Other names: c.857C>T, p.Pro286Leu (NM_001261406.2, NM_001261407.2, NM_001330637.2 and 14 more transcripts); c.857C>T (NM_003829.3); short protein forms P286L.
Identifiers: ClinVar variation 2417891 (VCV002417891.4), dbSNP rs756297120, ClinGen allele CA4987983.

ClinVar aggregate classification (germline): Uncertain significance. Review status: criteria provided, multiple submitters, no conflicts (2 of 4 stars). 2 submissions from 2 submitters: Uncertain significance (2). Last evaluated 2024-02-28.

Conditions:
Inborn genetic diseases. Identifiers: MedGen C0950123, MeSH D030342.

Allele frequency attached by ClinVar (database versions not stated): TOPMed 0.00001; 1000 Genomes Project 30x 0.00016.
gnomAD v4.1: 66 of 1,609,432 alleles (0.0041%); highest among the groups gnomAD compares: Non-Finnish European, 0.0053%; no homozygotes.

Submissions (2):

Ambry Genetics
Classification: Uncertain significance for Inborn genetic diseases. Last evaluated: 2024-02-28. Review status: criteria provided, single submitter. Criteria: Ambry Variant Classification Scheme 2023. Collection method: clinical testing. Allele origin: germline.

Labcorp Genetics (formerly Invitae), Labcorp
Classification: Uncertain significance. Last evaluated: 2022-03-10. Review status: criteria provided, single submitter. Criteria: Invitae Variant Classification Sherloc (09022015). Collection method: clinical testing. Allele origin: germline.
Comment: This sequence change replaces proline, which is neutral and non-polar, with leucine, which is neutral and non-polar, at codon 286 of the MPDZ protein (p.Pro286Leu). This variant is present in population databases (rs756297120, gnomAD 0.007%). This variant has not been reported in the literature in individuals affected with MPDZ-related conditions. Algorithms developed to predict the effect of missense changes on protein structure and function (SIFT, PolyPhen-2, Align-GVGD) all suggest that this variant is likely to be disruptive. In summary, the available evidence is currently insufficient to determine the role of this variant in disease. Therefore, it has been classified as a Variant of Uncertain Significance.